The following is an entry in ClinVar:

ClinVar aggregate classification (germline): Uncertain significance (1 of 4 stars; one submission).

Conditions:
Neuronal ceroid lipofuscinosis. Also called: Neuronal Ceroid Lipofuscinoses. Identifiers: Orphanet 216, Orphanet 79263, MedGen C0027877, MONDO:0016295. Disease mechanism: loss of function.

Submission:

Labcorp Genetics (formerly Invitae), Labcorp
Classification: Uncertain significance for Neuronal ceroid lipofuscinosis. Last evaluated: 2022-02-21. Review status: criteria provided, single submitter. Criteria: Invitae Variant Classification Sherloc (09022015). Collection method: clinical testing. Allele origin: germline.
Comment: This variant is not present in population databases (gnomAD no frequency). In summary, the available evidence is currently insufficient to determine the role of this variant in disease. Therefore, it has been classified as a Variant of Uncertain Significance. Algorithms developed to predict the effect of missense changes on protein structure and function are either unavailable or do not agree on the potential impact of this missense change (SIFT: "Tolerated"; PolyPhen-2: "Possibly Damaging"; Align-GVGD: "Class C0"). This variant has not been reported in the literature in individuals affected with CTSD-related conditions. This sequence change replaces valine, which is neutral and non-polar, with isoleucine, which is neutral and non-polar, at codon 105 of the CTSD protein (p.Val105Ile).

NM_001909.5(CTSD):c.313G>A (p.Val105Ile)

Gene: CTSD (cathepsin D; minus strand). Cytogenetic location: 11p15.5.
Variant type: single nucleotide variant.
Coding change: c.313G>A on transcript NM_001909.5 (MANE Select); coding-DNA position 313, G replaced by A.
Protein change: p.Val105Ile; replaces valine 105 with isoleucine.
Molecular consequence: missense variant.
Genome position (GRCh38, 1-based): chr11:1,759,555, C>T on the plus strand (G>A on the coding strand, the complement: CTSD is on the minus strand). VCF-style: chr11-1759555-C-T. GRCh37 (hg19) VCF-style: chr11-1780785-C-T.
Other names: short protein forms V105I.
Identifiers: ClinVar variation 1488715 (VCV001488715.6), dbSNP rs897944478, ClinGen allele CA216175568.